The following is an entry in ClinVar:

ClinVar aggregate classification (germline): Uncertain significance (1 of 4 stars; one submission).

Conditions:
Primary ciliary dyskinesia 32. Also called: CILIARY DYSKINESIA, PRIMARY, 32, WITHOUT SITUS INVERSUS. Identifiers: Orphanet 244, MedGen C4225311, MONDO:0014657, OMIM 616481.

Submission:

Labcorp Genetics (formerly Invitae), Labcorp
Classification: Uncertain significance for Primary ciliary dyskinesia 32. Last evaluated: 2025-08-21. Review status: criteria provided, single submitter. Criteria: Invitae Variant Classification Sherloc (09022015). Collection method: clinical testing. Allele origin: germline.
Comment: This sequence change replaces leucine, which is neutral and non-polar, with isoleucine, which is neutral and non-polar, at codon 352 of the RSPH3 protein (p.Leu352Ile). This variant is not present in population databases (gnomAD no frequency). This variant has not been reported in the literature in individuals affected with RSPH3-related conditions. ClinVar contains an entry for this variant (Variation ID: 2753534). An algorithm developed to predict the effect of missense changes on protein structure and function outputs the following: PolyPhen-2: "Benign". The isoleucine amino acid residue is found in multiple mammalian species, which suggests that this missense change does not adversely affect protein function. In summary, the available evidence is currently insufficient to determine the role of this variant in disease. Therefore, it has been classified as a Variant of Uncertain Significance.

NM_031924.8(RSPH3):c.628C>A (p.Leu210Ile)

Gene: RSPH3 (radial spoke head 3; minus strand). Cytogenetic location: 6q25.3.
Variant type: single nucleotide variant.
Coding change: c.628C>A on transcript NM_031924.8 (MANE Select); coding-DNA position 628, C replaced by A.
Protein change: p.Leu210Ile; replaces leucine 210 with isoleucine.
Molecular consequence: missense variant. On other transcripts: non-coding transcript variant (1).
Genome position (GRCh38, 1-based): chr6:158,982,553, G>T on the plus strand (C>A on the coding strand, the complement: RSPH3 is on the minus strand). VCF-style: chr6-158982553-G-T. GRCh37 (hg19) VCF-style: chr6-159403585-G-T.
Other names: c.766C>A, p.Leu256Ile (NM_001346418.1); short protein forms L210I, L256I.
Identifiers: ClinVar variation 2753534 (VCV002753534.3), dbSNP rs2484880888, ClinGen allele CA366280473.